The following is an entry in ClinVar:

ClinVar aggregate classification (germline): Uncertain significance (1 of 4 stars; one submission).

Submission:

Ambry Genetics
Classification: Uncertain significance. Last evaluated: 2024-11-23. Review status: criteria provided, single submitter. Criteria: Ambry Variant Classification Scheme 2023. Collection method: clinical testing. Allele origin: germline.
Comment: The p.S154R variant (also known as c.462C>G), located in coding exon 1 of the MC1R gene, results from a C to G substitution at nucleotide position 462. The serine at codon 154 is replaced by arginine, an amino acid with dissimilar properties. This amino acid position is conserved. In addition, this alteration is predicted to be tolerated by in silico analysis. Based on the available evidence, the clinical significance of this variant remains unclear.

NM_002386.4(MC1R):c.462C>G (p.Ser154Arg)

Gene: MC1R (melanocortin 1 receptor; plus strand). Cytogenetic location: 16q24.3.
Variant type: single nucleotide variant.
Coding change: c.462C>G on transcript NM_002386.4 (MANE Select); coding-DNA position 462, C replaced by G.
Protein change: p.Ser154Arg; replaces serine 154 with arginine.
Molecular consequence: missense variant.
Genome position (GRCh38, 1-based): chr16:89,919,720, C>G. VCF-style: chr16-89919720-C-G. GRCh37 (hg19) VCF-style: chr16-89986128-C-G.
Other names: short protein forms S154R.
Identifiers: ClinVar variation 3543959 (VCV003543959.1).
Genomic context (GRCh38, chr16:89,919,720, plus strand): 5'-CCTGGGCGCCATCGCCGTGGACCGCTACATCTCCATCTTCTACGCACTGCGCTACCACAG[C>G]ATCGTGACCCTGCCGCGGGCGCGGCGAGCCGTTGCGGCCATCTGGGTGGCCAGTGTCGTC-3'
Protein context (NP_002377.4, residues 144-164): ISIFYALRYH[Ser154Arg]IVTLPRARRA